The following is an entry in ClinVar:

ClinVar aggregate classification (germline): Pathogenic (1 of 4 stars; one submission).

Conditions:
Inborn genetic diseases. Identifiers: MedGen C0950123, MeSH D030342.

Submission:

Ambry Genetics
Classification: Pathogenic for Inborn genetic diseases. Last evaluated: 2025-02-28. Review status: criteria provided, single submitter. Criteria: Ambry Variant Classification Scheme 2023. Collection method: clinical testing. Allele origin: germline.
Comment: The c.2154_2159delCAACGCinsAGATAGCCACCTGCAATGGCATGACTTTTCTTATGGGCGGGTTCATTTCTGA (p.N719Dfs*17) alteration, located in exon 17 (coding exon 17) of the CACNA1A gene, consists of an deletion of 6 and insertion of 52 nucleotides causing a translational frameshift at position 2154 with a predicted alternate stop codon after 17 amino acids. This alteration is expected to result in loss of function by premature protein truncation or nonsense-mediated mRNA decay. for CACNA1A-related neurologic disorder; however, it is unlikely to be causative of CACNA1A-related spinocerebellar ataxia. This variant was not reported in population-based cohorts in the Genome Aggregation Database (gnomAD). Based on the available evidence, this alteration is classified as pathogenic.

NM_001127222.2(CACNA1A):c.2151_2156delinsAGATAGCCACCTGCAATGGCATGACTTTTCTTATGGGCGGGTTCATTTCTGA (p.Asn718_Ala719delinsAspSerHisLeuGlnTrpHisAspPheSerTyrGlyArgValHisPheTer)

Gene: CACNA1A (calcium voltage-gated channel subunit alpha1 A; minus strand). Cytogenetic location: 19p13.13.
Variant type: Indel.
Coding change: c.2151_2156delinsAGATAGCCACCTGCAATGGCATGACTTTTCTTATGGGCGGGTTCATTTCTGA on transcript NM_001127222.2 (MANE Select); coding-DNA positions 2151 to 2156, the reference bases replaced by an inserted sequence.
Protein change: p.Asn718_Ala719delinsAspSerHisLeuGlnTrpHisAspPheSerTyrGlyArgValHisPheTer.
Molecular consequence: nonsense.
Genome position (GRCh38, 1-based): chr19:13,303,562-13,303,567, 6 bases replaced. GRCh37 (hg19): chr19:13,414,376-13,414,381.
Other names: c.2154_2159delinsAGATAGCCACCTGCAATGGCATGACTTTTCTTATGGGCGGGTTCATTTCTGA, p.Asn719_Ala720delinsAspSerHisLeuGlnTrpHisAspPheSerTyrGlyArgValHisPheTer (NM_000068.4, NM_001127221.2, NM_001174080.2 and 1 more transcripts).
Identifiers: ClinVar variation 3826577 (VCV003826577.1).